The following is an entry in ClinVar:

ClinVar aggregate classification (germline): Uncertain significance (1 of 4 stars; one submission).

Conditions:
Isolated microphthalmia 5. Also called: Posterior Microphthalmia with Retinitis Pigmentosa, Foveoschisis, and Optic Disc Drusen. Identifiers: Orphanet 251279, MedGen C1970236, MONDO:0012605, OMIM 611040.

Allele frequency attached by ClinVar (database versions not stated): ExAC 0.00002; gnomAD 0.00002; gnomAD exomes 0.00002 and below 0.00001; TOPMed 0.00002.
gnomAD v4.1: 7 of 1,613,236 alleles (0.00043%); highest among the groups gnomAD compares: East Asian, 0.016%; no homozygotes.

Submission:

Labcorp Genetics (formerly Invitae), Labcorp
Classification: Uncertain significance for Isolated microphthalmia 5. Last evaluated: 2019-07-31. Review status: criteria provided, single submitter. Criteria: Invitae Variant Classification Sherloc (09022015). Collection method: clinical testing. Allele origin: germline.
Comment: This sequence change replaces histidine with arginine at codon 337 of the MFRP protein (p.His337Arg). The histidine residue is weakly conserved and there is a small physicochemical difference between histidine and arginine. This variant is present in population databases (rs773410101, ExAC 0.02%). This variant has not been reported in the literature in individuals with MFRP-related conditions. Algorithms developed to predict the effect of missense changes on protein structure and function (SIFT, PolyPhen-2, Align-GVGD) all suggest that this variant is likely to be tolerated, but these predictions have not been confirmed by published functional studies and their clinical significance is uncertain. In summary, the available evidence is currently insufficient to determine the role of this variant in disease. Therefore, it has been classified as a Variant of Uncertain Significance.

NM_031433.4(MFRP):c.1010A>G (p.His337Arg)

Genes: C1QTNF5 (C1q and TNF related 5; minus strand), MFRP (membrane frizzled-related protein; minus strand). Cytogenetic location: 11q23.3.
Variant type: single nucleotide variant.
Coding change: c.1010A>G on transcript NM_031433.4 (MANE Select); coding-DNA position 1010, A replaced by G.
Protein change: p.His337Arg; replaces histidine 337 with arginine.
Molecular consequence: missense variant. On other transcripts: 5 prime UTR variant (1).
Genome position (GRCh38, 1-based): chr11:119,343,930, T>C on the plus strand (A>G on the coding strand, the complement: MFRP is on the minus strand). VCF-style: chr11-119343930-T-C. GRCh37 (hg19) VCF-style: chr11-119214640-T-C.
Other names: c.-1627A>G (NM_015645.5); short protein forms H337R.
Identifiers: ClinVar variation 945069 (VCV000945069.10), dbSNP rs773410101, ClinGen allele CA6320281.